The following is an entry in ClinVar:

ClinVar aggregate classification (germline): Benign/Likely benign. Review status: criteria provided, multiple submitters, no conflicts (2 of 4 stars). 2 submissions from 2 submitters: Benign (1); Likely benign (1). Last evaluated 2024-07-01.

Allele frequency attached by ClinVar (database versions not stated): 1000 Genomes Project 0.00180; 1000 Genomes Project 30x 0.00203; TOPMed 0.00348; gnomAD 0.00354; ExAC 0.00397; ESP Exome Variant Server 0.00431.
gnomAD v4.1: 7,534 of 1,614,164 alleles (0.47%); highest among the groups gnomAD compares: Middle Eastern, 0.92%; 33 homozygotes.

Submissions (2):

CeGaT Center for Human Genetics Tuebingen
Classification: Likely benign. Last evaluated: 2024-07-01. Review status: criteria provided, single submitter. Criteria: CeGaT Center For Human Genetics Tuebingen Variant Classification Criteria Version 2. Collection method: clinical testing. Allele origin: germline. Affected: yes. Observed: 5 variant alleles.
Comment: DNASE1: BP4, BS2

Mayo Clinic Laboratories, Mayo Clinic
Classification: Benign. Last evaluated: 2024-04-03. Review status: criteria provided, single submitter. Criteria: ACMG Guidelines, 2015. Collection method: clinical testing. Allele origin: germline. Observed: 4 variant alleles.
Comment: BS2, BS3, BP4

Literature cited by the submitters: PubMed 24819173 (cited by Mayo Clinic Laboratories, Mayo Clinic).

NM_005223.4(DNASE1):c.105G>C (p.Glu35Asp)

Gene: DNASE1 (deoxyribonuclease 1; plus strand). Cytogenetic location: 16p13.3.
Variant type: single nucleotide variant.
Coding change: c.105G>C on transcript NM_005223.4 (MANE Select); coding-DNA position 105, G replaced by C.
Protein change: p.Glu35Asp; replaces glutamic acid 35 with aspartic acid.
Molecular consequence: missense variant. On other transcripts: 5 prime UTR variant (1), non-coding transcript variant (2).
Genome position (GRCh38, 1-based): chr16:3,655,478, G>C. VCF-style: chr16-3655478-G-C. GRCh37 (hg19) VCF-style: chr16-3705479-G-C.
Other names: p.Glu35Asp; c.105G>C, p.Glu35Asp (NM_001351825.2, NM_001387135.1, NM_001387139.1 and 1 more transcripts); c.-14G>C (NM_001387141.1); c.105G>C (NM_005223.3); short protein forms E35D.
Identifiers: ClinVar variation 2646119 (VCV002646119.25), dbSNP rs34907394, ClinGen allele CA7867040.